The following is an entry in ClinVar:

ClinVar aggregate classification (germline): Uncertain significance. Review status: criteria provided, multiple submitters, no conflicts (2 of 4 stars). 2 submissions from 2 submitters: Uncertain significance (2). Last evaluated 2025-04-03.

Conditions:
Hereditary cancer-predisposing syndrome. Also called: Hereditary neoplastic syndrome; Tumor predisposition; Hereditary Cancer Syndrome; Neoplastic Syndromes, Hereditary. Identifiers: Orphanet 140162, MedGen C0027672, MeSH D009386, MONDO:0015356.
Gastrointestinal stromal tumor. Also called: Gastrointestinal stroma tumor; Gastrointestinal stromal tumor, somatic. Identifiers: Orphanet 44890, MedGen C0238198, MeSH D046152, MONDO:0011719, OMIM 606764, HP:0100723.

Submissions (2):

Labcorp Genetics (formerly Invitae), Labcorp
Classification: Uncertain significance for Gastrointestinal stromal tumor. Last evaluated: 2025-04-03. Review status: criteria provided, single submitter. Criteria: Invitae Variant Classification Sherloc (09022015). Collection method: clinical testing. Allele origin: germline.
Comment: This sequence change replaces proline, which is neutral and non-polar, with threonine, which is neutral and polar, at codon 577 of the PDGFRA protein (p.Pro577Thr). This variant is not present in population databases (gnomAD no frequency). This variant has not been reported in the literature in individuals affected with PDGFRA-related conditions. ClinVar contains an entry for this variant (Variation ID: 1486208). Invitae Evidence Modeling of protein sequence and biophysical properties (such as structural, functional, and spatial information, amino acid conservation, physicochemical variation, residue mobility, and thermodynamic stability) indicates that this missense variant is not expected to disrupt PDGFRA protein function with a negative predictive value of 80%. Experimental studies have shown that this missense change affects PDGFRA function (PMID: 30389923). In summary, the available evidence is currently insufficient to determine the role of this variant in disease. Therefore, it has been classified as a Variant of Uncertain Significance.

Ambry Genetics
Classification: Uncertain significance for Hereditary cancer-predisposing syndrome. Last evaluated: 2021-03-25. Review status: criteria provided, single submitter. Criteria: Ambry Variant Classification Scheme 2023. Collection method: clinical testing. Allele origin: germline.
Comment: The p.P577T variant (also known as c.1729C>A), located in coding exon 11 of the PDGFRA gene, results from a C to A substitution at nucleotide position 1729. The proline at codon 577 is replaced by threonine, an amino acid with highly similar properties. This amino acid position is highly conserved in available vertebrate species. In addition, this alteration is predicted to be deleterious by in silico analysis. Since supporting evidence is limited at this time, the clinical significance of this alteration remains unclear.

Literature cited by the submitters: PubMed 30389923 (cited by Labcorp Genetics (formerly Invitae), Labcorp).

NM_006206.6(PDGFRA):c.1729C>A (p.Pro577Thr)

Gene: PDGFRA (platelet derived growth factor receptor alpha; plus strand). Cytogenetic location: 4q12.
Variant type: single nucleotide variant.
Coding change: c.1729C>A on transcript NM_006206.6 (MANE Select); coding-DNA position 1729, C replaced by A.
Protein change: p.Pro577Thr; replaces proline 577 with threonine.
Molecular consequence: missense variant.
Genome position (GRCh38, 1-based): chr4:54,274,916, C>A. VCF-style: chr4-54274916-C-A. GRCh37 (hg19) VCF-style: chr4-55141083-C-A.
Other names: c.1729C>A, p.Pro577Thr (NM_001347827.2, NM_001347829.2); c.1804C>A, p.Pro602Thr (NM_001347828.2); c.1768C>A, p.Pro590Thr (NM_001347830.2); short protein forms P577T, P590T, P602T.
Identifiers: ClinVar variation 1486208 (VCV001486208.10), dbSNP rs1057519811, ClinGen allele CA356893183.